The following is an entry in ClinVar:

ClinVar aggregate classification (germline): Likely benign. Review status: criteria provided, multiple submitters, no conflicts (2 of 4 stars). 2 submissions from 2 submitters: Likely benign (2). Last evaluated 2025-04-09.

Conditions:
Catecholaminergic polymorphic ventricular tachycardia (CVPT). Also called: Catecholamine-induced polymorphic ventricular tachycardia. Identifiers: Orphanet 3286, MedGen C5574922, MONDO:0017990.
Catecholaminergic polymorphic ventricular tachycardia 1. Also called: RYR2-Related Catecholaminergic Polymorphic Ventricular Tachycardia; VENTRICULAR TACHYCARDIA, STRESS-INDUCED POLYMORPHIC 1; VENTRICULAR TACHYCARDIA, CATECHOLAMINERGIC POLYMORPHIC, 1, WITH OR WITHOUT ATRIAL DYSFUNCTION AND/OR DILATED CARDIOMYOPATHY. Identifiers: Orphanet 3286, MedGen C1631597, MONDO:0011484, OMIM 604772.

gnomAD v4.1: 2 of 1,613,370 alleles (0.00012%); highest among the groups gnomAD compares: Middle Eastern, 0.016%; no homozygotes.

Submissions (2):

Labcorp Genetics (formerly Invitae), Labcorp
Classification: Likely benign for Catecholaminergic polymorphic ventricular tachycardia 1. Last evaluated: 2025-04-09. Review status: criteria provided, single submitter. Criteria: Invitae Variant Classification Sherloc (09022015). Collection method: clinical testing. Allele origin: germline.

All of Us Research Program, National Institutes of Health
Classification: Likely benign for Catecholaminergic polymorphic ventricular tachycardia. Last evaluated: 2023-03-07. Review status: criteria provided, single submitter. Criteria: ACMG Guidelines, 2015. Collection method: clinical testing. Allele origin: germline. Inheritance: Autosomal dominant inheritance. Observed: 1 variant allele, 1 heterozygote.
Comment: This study involves interpretation of variants in research participants for the purpose of population health screening. Participant phenotype was not available at the time of variant classification. Additional details can be found in publication PMID: 35346344, PMCID: PMC8962531

NM_001035.3(RYR2):c.9996G>T (p.Thr3332=)

Gene: RYR2 (ryanodine receptor 2; plus strand). Cytogenetic location: 1q43.
Variant type: single nucleotide variant.
Coding change: c.9996G>T on transcript NM_001035.3 (MANE Select); coding-DNA position 9996, G replaced by T.
Protein change: p.Thr3332=; no amino-acid change (threonine 3332 retained).
Molecular consequence: synonymous variant.
Genome position (GRCh38, 1-based): chr1:237,708,952, G>T. VCF-style: chr1-237708952-G-T. GRCh37 (hg19) VCF-style: chr1-237872252-G-T.
Identifiers: ClinVar variation 3069733 (VCV003069733.2), dbSNP rs760131228, ClinGen allele CA424031979.